The following is an entry in ClinVar:

ClinVar aggregate classification (germline): Uncertain significance (1 of 4 stars; one submission).

Conditions:
Hereditary cancer-predisposing syndrome. Also called: Hereditary neoplastic syndrome; Neoplastic Syndromes, Hereditary; Tumor predisposition; Hereditary Cancer Syndrome. Identifiers: Orphanet 140162, MedGen C0027672, MeSH D009386, MONDO:0015356.

Submission:

Ambry Genetics
Classification: Uncertain significance for Hereditary cancer-predisposing syndrome. Last evaluated: 2026-05-16. Review status: criteria provided, single submitter. Criteria: Ambry Variant Classification Scheme 2023. Collection method: clinical testing. Allele origin: germline.
Comment: The p.S142P variant (also known as c.424T>C), located in coding exon 1 of the GREM1 gene, results from a T to C substitution at nucleotide position 424. The serine at codon 142 is replaced by proline, an amino acid with similar properties. This amino acid position is conserved. In addition, the in silico prediction for this alteration is inconclusive. Based on the available evidence, the clinical significance of this variant remains unclear.

NM_013372.7(GREM1):c.424T>C (p.Ser142Pro)

Gene: GREM1 (gremlin 1, DAN family BMP antagonist; plus strand). Cytogenetic location: 15q13.3.
Variant type: single nucleotide variant.
Coding change: c.424T>C on transcript NM_013372.7 (MANE Select); coding-DNA position 424, T replaced by C.
Protein change: p.Ser142Pro; replaces serine 142 with proline.
Molecular consequence: missense variant.
Genome position (GRCh38, 1-based): chr15:32,731,114, T>C. VCF-style: chr15-32731114-T-C. GRCh37 (hg19) VCF-style: chr15-33023315-T-C.
Other names: c.214T>C, p.Ser72Pro (NM_001191322.2); c.301T>C, p.Ser101Pro (NM_001191323.2); c.424T>C, p.Ser142Pro (NM_001368719.1); short protein forms S101P, S142P, S72P.
Identifiers: ClinVar variation 4858185 (VCV004858185.1).
Genomic context (GRCh38, chr15:32,731,114, plus strand): 5'-TGCAACTCTTTCTACATCCCCAGGCACATCCGGAAGGAGGAAGGTTCCTTTCAGTCCTGC[T>C]CCTTCTGCAAGCCCAAGAAATTCACTACCATGATGGTCACACTCAACTGCCCTGAACTAC-3'
Protein context (NP_037504.1, residues 132-152): RKEEGSFQSC[Ser142Pro]FCKPKKFTTM